The following is an entry in ClinVar:

NM_001126108.2(SLC12A3):c.1967C>T (p.Pro656Leu)

Gene: SLC12A3 (solute carrier family 12 member 3; plus strand). Cytogenetic location: 16q13.
Variant type: single nucleotide variant.
Coding change: c.1967C>T on transcript NM_001126108.2 (MANE Select); coding-DNA position 1967, C replaced by T.
Protein change: p.Pro656Leu; replaces proline 656 with leucine.
Molecular consequence: missense variant.
Genome position (GRCh38, 1-based): chr16:56,886,405, C>T. VCF-style: chr16-56886405-C-T. GRCh37 (hg19) VCF-style: chr16-56920317-C-T.
Other names: c.1967C>T, p.Pro656Leu (NM_000339.3); c.1964C>T, p.Pro655Leu (NM_001126107.2); short protein forms P655L, P656L.
Identifiers: ClinVar variation 1303036 (VCV001303036.12), dbSNP rs140363569, ClinGen allele CA8069675.

ClinVar aggregate classification (germline): Conflicting classifications of pathogenicity. Review status: criteria provided, conflicting classifications (1 of 4 stars). 9 submissions from 9 submitters: Likely pathogenic (4); Uncertain significance (5). Last evaluated 2025-11-10.

Conditions:
SLC12A3-related disorder. Also called: SLC12A3-related condition.
Familial hypokalemia-hypomagnesemia (GTLMNS). Also called: HYPOMAGNESEMIA-HYPOKALEMIA, PRIMARY RENOTUBULAR, WITH HYPOCALCIURIA; POTASSIUM AND MAGNESIUM DEPLETION; gitelman syndrome. Identifiers: Orphanet 358, MedGen C0268450, MONDO:0009904, OMIM 263800.
Inborn genetic diseases. Identifiers: MedGen C0950123, MeSH D030342.

Allele frequency attached by ClinVar (database versions not stated): gnomAD exomes 0.00014 and 0.00028; 1000 Genomes Project 30x 0.00016; ExAC 0.00016; gnomAD 0.00017 and 0.00019; TOPMed 0.00017; 1000 Genomes Project 0.00020; ESP Exome Variant Server 0.00031.
gnomAD v4.1: 429 of 1,614,134 alleles (0.027%); highest among the groups gnomAD compares: Non-Finnish European, 0.034%; no homozygotes.

Submissions (9):

Natera, Inc.
Classification: Likely pathogenic for Gitelman syndrome. Last evaluated: 2025-11-10. Review status: criteria provided, single submitter. Criteria: Natera Variant Classification Schema (03/2026). Collection method: clinical testing. Allele origin: germline.
Comment: The c.1967C>T variant in SLC12A3 is a missense variant predicted to cause substitution of proline to leucine at amino acid 656. This variant is rare in the general population with a frequency below the threshold expected for the associated phenotype(s). This variant has been observed in one or more individuals affected with the associated recessive disease, as either homozygous or compound heterozygous with a second variant (PMID: 21415153, 33238651, 36806220). Computational prediction algorithms indicate this variant is likely to affect gene or protein function. Given the available evidence, this variant is classified as Likely Pathogenic.

Women's Health and Genetics/Laboratory Corporation of America, LabCorp
Classification: Uncertain significance. Last evaluated: 2025-07-29. Review status: criteria provided, single submitter. Criteria: LabCorp Variant Classification Summary - May 2015. Collection method: clinical testing. Allele origin: germline.
Comment: Variant summary: SLC12A3 c.1967C>T (p.Pro656Leu) results in a non-conservative amino acid change in the encoded protein sequence. Algorithms developed to predict the effect of missense changes on protein structure and function are either unavailable or do not agree on the potential impact of this missense change. The variant allele was found at a frequency of 0.00014 in 251086 control chromosomes (gnomAD). This frequency is not significantly higher than estimated for a pathogenic variant in SLC12A3 causing Familial Hypokalemia-Hypomagnesemia, allowing no conclusion about variant significance. c.1967C>T has been observed in individuals affected with Gitelman syndrome (Vargas-Poussou_2011, Blanchard_2019, Wang_2019, Mansilla_2021, Zhang_2023). These data do not allow any conclusion about variant significance. To our knowledge, no experimental evidence demonstrating an impact on protein function has been reported. The following publications have been ascertained in the context of this evaluation (PMID: 31285285, 31738409, 21415153, 31308072, 36806220). ClinVar contains an entry for this variant (Variation ID: 1303036). Based on the evidence outlined above, the variant was classified as uncertain significance.

Genomic Medicine Center of Excellence, King Faisal Specialist Hospital and Research Centre
Classification: Uncertain significance for Familial hypokalemia-hypomagnesemia. Last evaluated: 2024-12-18. Review status: criteria provided, single submitter. Criteria: ACMG Guidelines, 2015. Collection method: clinical testing. Allele origin: germline.

Fulgent Genetics
Classification: Likely pathogenic for Familial hypokalemia-hypomagnesemia. Last evaluated: 2024-06-19. Review status: criteria provided, single submitter. Criteria: ACMG Guidelines, 2015. Collection method: clinical testing. Allele origin: germline.

Blueprint Genetics
Classification: Likely pathogenic for SLC12A3-related disorders. Last evaluated: 2024-01-23. Review status: criteria provided, single submitter. Criteria: ACMG Guidelines, 2015. Collection method: clinical testing. Allele origin: germline. Affected: yes. Observed: 5 variant alleles.

Labcorp Genetics (formerly Invitae), Labcorp
Classification: Uncertain significance. Last evaluated: 2022-07-31. Review status: criteria provided, single submitter. Criteria: Invitae Variant Classification Sherloc (09022015). Collection method: clinical testing. Allele origin: germline.
Comment: This sequence change replaces proline, which is neutral and non-polar, with leucine, which is neutral and non-polar, at codon 656 of the SLC12A3 protein (p.Pro656Leu). This variant is present in population databases (rs140363569, gnomAD 0.02%). This missense change has been observed in individual(s) with Gitelman syndrome (PMID: 21415153). ClinVar contains an entry for this variant (Variation ID: 1303036). Algorithms developed to predict the effect of missense changes on protein structure and function are either unavailable or do not agree on the potential impact of this missense change (SIFT: "Tolerated"; PolyPhen-2: "Probably Damaging"; Align-GVGD: "Class C0"). In summary, the available evidence is currently insufficient to determine the role of this variant in disease. Therefore, it has been classified as a Variant of Uncertain Significance.

Ambry Genetics
Classification: Uncertain significance for Inborn genetic diseases. Last evaluated: 2022-02-25. Review status: criteria provided, single submitter. Criteria: Ambry Variant Classification Scheme 2023. Collection method: clinical testing. Allele origin: germline.

GeneDx
Classification: Uncertain significance. Last evaluated: 2020-03-23. Review status: criteria provided, single submitter. Criteria: GeneDx Variant Classification Process June 2021. Collection method: clinical testing. Allele origin: germline. Affected: yes.
Comment: Identified in a patient with a suspected diagnosis of Gitelman syndrome who also harbored a pathogenic variant in SLC12A3; however, information about parental testing was not provided (Vargas-Poussou et al., 2011); Identified in the heterozygous state in a patient with renal disease; however, a second SLC12A3 variant was not detected (Mansilla et al., 2019); In silico analysis supports that this missense variant has a deleterious effect on protein structure/function; Missense variants in nearby residues reported in the Human Gene Mutation Database (Stenson et al., 2014); This variant is associated with the following publications: (PMID: 21415153, 31738409)

Juno Genomics, Hangzhou Juno Genomics, Inc
Classification: Likely pathogenic for Familial hypokalemia-hypomagnesemia. Review status: criteria provided, single submitter. Criteria: ACMG Guidelines, 2015. Collection method: clinical testing. Allele origin: germline.
Comment: Absent from controls (or at extremely low frequency if recessive) in Genome Aggregation Database.;Multiple lines of computational evidence support a deleterious effect on the gene or gene product.;For recessive disorders, detected in trans with a pathogenic variant.;Patient's phenotype or family history is highly specific for a disease with a single genetic etiology.

Literature cited by the submitters: PubMed 21415153 (cited by 3 submitters); PubMed 33238651 (cited by Natera, Inc.); PubMed 36806220 (cited by Natera, Inc. and Women's Health and Genetics/Laboratory Corporation of America, LabCorp); PubMed 31738409 (cited by Women's Health and Genetics/Laboratory Corporation of America, LabCorp); PubMed 31308072 (cited by Women's Health and Genetics/Laboratory Corporation of America, LabCorp); PubMed 31285285 (cited by Women's Health and Genetics/Laboratory Corporation of America, LabCorp).